The following is an entry in ClinVar:

NM_016373.4(WWOX):c.-34G>A

Gene: WWOX (WW domain containing oxidoreductase; plus strand). Cytogenetic location: 16q23.1.
Variant type: single nucleotide variant.
Coding change: c.-34G>A on transcript NM_016373.4 (MANE Select); 34 bases upstream of the start codon, G replaced by A.
Molecular consequence: 5 prime UTR variant. On other transcripts: non-coding transcript variant (2).
Genome position (GRCh38, 1-based): chr16:78,099,745, G>A. VCF-style: chr16-78099745-G-A. GRCh37 (hg19) VCF-style: chr16-78133642-G-A.
Other names: c.-308G>A (NM_001291997.2); c.-34G>A (NM_130791.5).
Identifiers: ClinVar variation 388382 (VCV000388382.1), dbSNP rs544250661, ClinGen allele CA8182959.

ClinVar aggregate classification (germline): Likely benign (1 of 4 stars; one submission).

Allele frequency attached by ClinVar (database versions not stated): gnomAD 0.00009 and 0.00011; ExAC 0.00016; gnomAD exomes 0.00020; 1000 Genomes Project 0.00040; 1000 Genomes Project 30x 0.00047.
gnomAD v4.1: 112 of 1,520,642 alleles (0.0074%); highest among the groups gnomAD compares: Admixed American, 0.062%; no homozygotes.

Submission:

GeneDx
Classification: Likely benign. Last evaluated: 2017-03-02. Review status: criteria provided, single submitter. Criteria: GeneDx Variant Classification (06012015). Collection method: clinical testing. Allele origin: germline. Affected: yes.
Comment: This variant is considered likely benign or benign based on one or more of the following criteria: it is a conservative change, it occurs at a poorly conserved position in the protein, it is predicted to be benign by multiple in silico algorithms, and/or has population frequency not consistent with disease.